The following is an entry in ClinVar:

NM_006129.5(BMP1):c.1052G>A (p.Arg351His)

Gene: BMP1 (bone morphogenetic protein 1; plus strand). Cytogenetic location: 8p21.3.
Variant type: single nucleotide variant.
Coding change: c.1052G>A on transcript NM_006129.5 (MANE Select); coding-DNA position 1052, G replaced by A.
Protein change: p.Arg351His; replaces arginine 351 with histidine.
Molecular consequence: missense variant. On other transcripts: non-coding transcript variant (2).
Genome position (GRCh38, 1-based): chr8:22,180,458, G>A. VCF-style: chr8-22180458-G-A. GRCh37 (hg19) VCF-style: chr8-22037971-G-A.
Other names: c.1052G>A (NM_006129.4); c.1052G>A, p.Arg351His (NM_001199.4); short protein forms R351H.
Identifiers: ClinVar variation 1462473 (VCV001462473.7), dbSNP rs577420762, ClinGen allele CA4664514.
Genomic context (GRCh38, chr8:22,180,458, plus strand): 5'-GCAACTTCTCCTCCCCTGAATACCCCAATGGCTACTCTGCTCACATGCACTGCGTGTGGC[G>A]CATCTCTGTCACACCCGGGGAGAAGGTACGTGTGGGCTCAGCCTCTGAGCCTCCCCCTCC-3'
Protein context (NP_006120.1, residues 341-361): GYSAHMHCVW[Arg351His]ISVTPGEKII

ClinVar aggregate classification (germline): Uncertain significance. Review status: criteria provided, multiple submitters, no conflicts (2 of 4 stars). 2 submissions from 2 submitters: Uncertain significance (2). Last evaluated 2025-11-08.

Conditions:
Inborn genetic diseases. Identifiers: MedGen C0950123, MeSH D030342.

Allele frequency attached by ClinVar (database versions not stated): 1000 Genomes Project 30x 0.00016; 1000 Genomes Project 0.00020.
gnomAD v4.1: 26 of 1,613,834 alleles (0.0016%); highest among the groups gnomAD compares: Admixed American, 0.005%; no homozygotes.

Submissions (2):

Ambry Genetics
Classification: Uncertain significance for Inborn genetic diseases. Last evaluated: 2025-11-08. Review status: criteria provided, single submitter. Criteria: Ambry Variant Classification Scheme 2023. Collection method: clinical testing. Allele origin: germline.

Labcorp Genetics (formerly Invitae), Labcorp
Classification: Uncertain significance. Last evaluated: 2025-04-07. Review status: criteria provided, single submitter. Criteria: Invitae Variant Classification Sherloc (09022015). Collection method: clinical testing. Allele origin: germline.
Comment: This sequence change replaces arginine, which is basic and polar, with histidine, which is basic and polar, at codon 351 of the BMP1 protein (p.Arg351His). This variant is present in population databases (rs577420762, gnomAD 0.006%). This variant has not been reported in the literature in individuals affected with BMP1-related conditions. ClinVar contains an entry for this variant (Variation ID: 1462473). Invitae Evidence Modeling of protein sequence and biophysical properties (such as structural, functional, and spatial information, amino acid conservation, physicochemical variation, residue mobility, and thermodynamic stability) indicates that this missense variant is not expected to disrupt BMP1 protein function with a negative predictive value of 80%. In summary, the available evidence is currently insufficient to determine the role of this variant in disease. Therefore, it has been classified as a Variant of Uncertain Significance.